The following is an entry in ClinVar:

NM_001253852.3(AP4B1):c.770A>C (p.Lys257Thr)

Genes: AP4B1 (adaptor related protein complex 4 subunit beta 1; minus strand), AP4B1-AS1 (AP4B1 antisense RNA 1; plus strand). Cytogenetic location: 1p13.2.
Variant type: single nucleotide variant.
Coding change: c.770A>C on transcript NM_001253852.3 (MANE Select); coding-DNA position 770, A replaced by C.
Protein change: p.Lys257Thr; replaces lysine 257 with threonine.
Molecular consequence: missense variant. On other transcripts: non-coding transcript variant (2).
Genome position (GRCh38, 1-based): chr1:113,900,248, T>G on the plus strand (A>C on the coding strand, the complement: AP4B1 is on the minus strand). VCF-style: chr1-113900248-T-G. GRCh37 (hg19) VCF-style: chr1-114442870-T-G.
Other names: c.473A>C, p.Lys158Thr (NM_001253853.3); c.266A>C, p.Lys89Thr (NM_001308312.2); c.770A>C, p.Lys257Thr (NM_006594.5); short protein forms K158T, K257T, K89T.
Identifiers: ClinVar variation 3702520 (VCV003702520.2).

ClinVar aggregate classification (germline): Uncertain significance (1 of 4 stars; one submission).

Conditions:
Hereditary spastic paraplegia 47. Also called: Spastic paraplegia 47, autosomal recessive; CEREBRAL PALSY, SPASTIC QUADRIPLEGIC, 5; adaptor protein 4 (AP-4) deficiency syndrome. Identifiers: Orphanet 280763, MedGen C3279738, MONDO:0013551, OMIM 614066.

Submission:

Labcorp Genetics (formerly Invitae), Labcorp
Classification: Uncertain significance for Hereditary spastic paraplegia 47. Last evaluated: 2024-09-23. Review status: criteria provided, single submitter. Criteria: Invitae Variant Classification Sherloc (09022015). Collection method: clinical testing. Allele origin: germline.
Comment: This sequence change replaces lysine, which is basic and polar, with threonine, which is neutral and polar, at codon 257 of the AP4B1 protein (p.Lys257Thr). This variant is not present in population databases (gnomAD no frequency). This variant has not been reported in the literature in individuals affected with AP4B1-related conditions. Invitae Evidence Modeling of protein sequence and biophysical properties (such as structural, functional, and spatial information, amino acid conservation, physicochemical variation, residue mobility, and thermodynamic stability) indicates that this missense variant is not expected to disrupt AP4B1 protein function with a negative predictive value of 80%. In summary, the available evidence is currently insufficient to determine the role of this variant in disease. Therefore, it has been classified as a Variant of Uncertain Significance.